The following is an entry in ClinVar:

NM_030805.4(LMAN2L):c.130G>C (p.Ala44Pro)

Gene: LMAN2L (lectin, mannose binding 2 like; minus strand). Cytogenetic location: 2q11.2.
Variant type: single nucleotide variant.
Coding change: c.130G>C on transcript NM_030805.4 (MANE Select); coding-DNA position 130, G replaced by C.
Protein change: p.Ala44Pro; replaces alanine 44 with proline.
Molecular consequence: missense variant. On other transcripts: 5 prime UTR variant (8).
Genome position (GRCh38, 1-based): chr2:96,739,911, C>G on the plus strand (G>C on the coding strand, the complement: LMAN2L is on the minus strand). VCF-style: chr2-96739911-C-G. GRCh37 (hg19) VCF-style: chr2-97405648-C-G.
Other names: c.130G>C, p.Ala44Pro (NM_001142292.2); c.-223G>C (NM_001322346.2, NM_001322356.2); c.-166G>C (NM_001322347.2, NM_001322350.2); c.-104G>C (NM_001322351.2); c.-366G>C (NM_001322352.2); c.-237G>C (NM_001322354.2); c.-304G>C (NM_001322355.2); short protein forms A44P.
Identifiers: ClinVar variation 4292460 (VCV004292460.1).

ClinVar aggregate classification (germline): Uncertain significance (1 of 4 stars; one submission).

Conditions:
Intellectual developmental disorder, autosomal recessive 52. Also called: Intellectual disability, autosomal recessive 52. Identifiers: Orphanet 88616, MedGen C4225168, MONDO:0014815, OMIM 616887.

Submission:

3billion
Classification: Uncertain significance for Intellectual developmental disorder, autosomal recessive 52. Last evaluated: 2024-06-18. Review status: criteria provided, single submitter. Criteria: ACMG Guidelines, 2015. Collection method: clinical testing. Allele origin: germline. Affected: yes.
Comment: The variant is not observed in the gnomAD v4.0.0 dataset. Predicted Consequence/Location: Missense changes are a common disease-causing mechanism. In silico tool predictions suggest no damaging effect of the variant on gene or gene product [REVEL: 0.14 (<0.4); 3Cnet: 0.06 (<0.15, specificity 0.78 and negative predictive value 0.92)]. Therefore, this variant is classified as VUS according to the recommendation of ACMG/AMP guideline.